The following is an entry in ClinVar:

ClinVar aggregate classification (germline): Likely pathogenic (1 of 4 stars; one submission).

Submission:

Labcorp Genetics (formerly Invitae), Labcorp
Classification: Likely pathogenic. Last evaluated: 2021-05-13. Review status: criteria provided, single submitter. Criteria: Invitae Variant Classification Sherloc (09022015). Collection method: clinical testing. Allele origin: germline.
Comment: This sequence change affects an acceptor splice site in intron 10 of the SLC4A11 gene. It is expected to disrupt RNA splicing. Variants that disrupt the donor or acceptor splice site typically lead to a loss of protein function (PMID: 16199547), and loss-of-function variants in SLC4A11 are known to be pathogenic (PMID: 17220209, 17679935). This variant is not present in population databases (ExAC no frequency). This variant has not been reported in the literature in individuals with SLC4A11-related conditions. Algorithms developed to predict the effect of sequence changes on RNA splicing suggest that this variant may disrupt the consensus splice site, but this prediction has not been confirmed by published transcriptional studies. In summary, the currently available evidence indicates that the variant is pathogenic, but additional data are needed to prove that conclusively. Therefore, this variant has been classified as Likely Pathogenic.

Literature cited by the submitters: PubMed 16199547; PubMed 17220209; PubMed 17679935.

NM_001174089.2(SLC4A11):c.1283-1G>C

Gene: SLC4A11 (solute carrier family 4 member 11; minus strand). Cytogenetic location: 20p13.
Variant type: single nucleotide variant.
Coding change: c.1283-1G>C on transcript NM_001174089.2 (MANE Select); the canonical splice acceptor site of the intron before coding-DNA position 1283, G replaced by C.
Molecular consequence: splice acceptor variant.
Genome position (GRCh38, 1-based): chr20:3,230,648, C>G on the plus strand (G>C on the coding strand, the complement: SLC4A11 is on the minus strand). VCF-style: chr20-3230648-C-G. GRCh37 (hg19) VCF-style: chr20-3211294-C-G.
Other names: c.1226-1G>C (NM_001400277.1, NM_001400278.1, NM_001400279.1); c.1169-1G>C (NM_001363745.2); c.1298-1G>C (NM_001400280.1); c.1412-1G>C (NM_001174090.2); c.1331-1G>C (NM_032034.4).
Identifiers: ClinVar variation 1485537 (VCV001485537.8), dbSNP rs2122542952, ClinGen allele CA408088825.